The following continues an entry in ClinVar:

NM_000256.3(MYBPC3):c.1831G>A (p.Glu611Lys)

Gene: MYBPC3. ClinVar aggregate classification (germline): Conflicting classifications of pathogenicity. Pathogenic (1); Likely pathogenic (3); Uncertain significance (8).

Submissions 10 to 17 of 17:

Women's Health and Genetics/Laboratory Corporation of America, LabCorp
Classification: Likely pathogenic for Cardiovascular phenotype. Last evaluated: 2016-08-02. Review status: criteria provided, single submitter. Criteria: LabCorp Variant Classification Summary - May 2015. Collection method: clinical testing. Allele origin: germline.
Comment: Variant summary: The MYBPC3 c.1831G>A (p.Glu611Lys) variant involves the alteration of a conserved nucleotide. 3/4 in silico tools predict a damaging outcome for this variant (SNPs&GO not captured due to low reliability index). This variant is located in the Immunoglobulin I domain (InterPro). Other missense variants around this region have also been reported in HCM patients, such as p.Tyr614Cys, p.Asp610Val, p.Asp610His, p.Asp610Asn, p.Ala609Val, etc., suggesting a notion that the region is important for protein function; however they have conflicting interpretations of pathogenicity ranging from pathogenic to uncertain significance in ClinVar. This variant is absent in 52198 control chromosomes but has been reported in at least nine patients (2 DCM, 7 HCM) from multiple countries. However, there are no co-segregation studies in literature, nor are functional studies. One DCM patient was not comprehensively genotyped (Waldmuller_2014) while another DCM patient also has unspecified mutation(s) (Wang_2014). Thus, it may be possible that it is HCM-specific mutation. This variant was also found in one HCM patient who also carried another frameshift mutation in the same gene; however, phenotypic severity of the patient is not specified. One clinical lab has classified it as pathogenic. Taken together, this variant is classified as Probable Disease Variant (or Likely Pathogenic).

Clinical Genetics DNA and cytogenetics Diagnostics Lab, Erasmus MC, Erasmus Medical Center
Classification: Pathogenic for Hypertrophic cardiomyopathy 4. Last evaluated: 2015-09-21. Review status: criteria provided, single submitter. Criteria: ACGS Guidelines, 2013. Collection method: clinical testing. Allele origin: germline. Affected: yes. Study: VKGL Data-share Consensus.

Genome Diagnostics Laboratory, University Medical Center Utrecht
Classification: Likely pathogenic for Hypertrophic cardiomyopathy 4. Last evaluated: 2014-10-09. Review status: criteria provided, single submitter. Criteria: ACGS Guidelines, 2013. Collection method: clinical testing. Allele origin: germline. Affected: yes. Study: VKGL Data-share Consensus.

Clinical Genetics, Academic Medical Center
Classification: Pathogenic. Review status: no assertion criteria provided. Collection method: clinical testing. Allele origin: germline. Affected: yes. Study: VKGL Data-share Consensus. Not counted in ClinVar's aggregate classification.

Diagnostic Laboratory, Department of Genetics, University Medical Center Groningen
Classification: Pathogenic for Hypertrophic cardiomyopathy 4. Review status: no assertion criteria provided. Collection method: clinical testing. Allele origin: germline. Affected: yes. Study: VKGL Data-share Consensus. Not counted in ClinVar's aggregate classification.

Genome Diagnostics Laboratory, University Medical Center Utrecht
Classification: Pathogenic. Review status: no assertion criteria provided. Collection method: clinical testing. Allele origin: germline. Affected: yes. Study: VKGL Data-share Consensus. Not counted in ClinVar's aggregate classification.

Joint Genome Diagnostic Labs from Nijmegen and Maastricht, Radboudumc and MUMC+
Classification: Pathogenic. Review status: no assertion criteria provided. Collection method: clinical testing. Allele origin: germline. Affected: yes. Study: VKGL Data-share Consensus. Not counted in ClinVar's aggregate classification.

Zaffran Lab, Genetics of Cardiac Diseases Laboratory, Marseille Medical Genetics
Classification: Uncertain significance for hypertrophic cardiomyopathy. Review status: no assertion criteria provided. Collection method: research. Allele origin: unknown. Affected: yes. Not counted in ClinVar's aggregate classification.

Literature cited by the submitters: PubMed 21750094 (cited by 6 submitters); PubMed 23054336 (cited by 6 submitters); PubMed 23283745 (cited by 6 submitters); PubMed 24111713 (cited by 5 submitters); PubMed 29447731 (cited by 4 submitters); PubMed 30847666 (cited by 4 submitters); PubMed 31513939 (cited by 4 submitters); PubMed 32369506 (cited by 4 submitters); PubMed 36264615 (cited by Labcorp Genetics (formerly Invitae), Labcorp); PubMed 28971120 (cited by 3 submitters); PubMed 30297972 (cited by 3 submitters); PubMed 33495596 (cited by Color Diagnostics, LLC DBA Color Health); PubMed 25163546 (cited by Women's Health and Genetics/Laboratory Corporation of America, LabCorp); PubMed 25132132 (cited by Women's Health and Genetics/Laboratory Corporation of America, LabCorp).